The following is an entry in ClinVar:

NM_001360.3(DHCR7):c.530G>A (p.Trp177Ter)

Gene: DHCR7 (7-dehydrocholesterol reductase; minus strand). Cytogenetic location: 11q13.4.
Variant type: single nucleotide variant.
Coding change: c.530G>A on transcript NM_001360.3 (MANE Select); coding-DNA position 530, G replaced by A.
Protein change: p.Trp177Ter; replaces tryptophan 177 with a stop codon.
Molecular consequence: nonsense.
Genome position (GRCh38, 1-based): chr11:71,441,323, C>T on the plus strand (G>A on the coding strand, the complement: DHCR7 is on the minus strand). VCF-style: chr11-71441323-C-T. GRCh37 (hg19) VCF-style: chr11-71152369-C-T.
Other names: c.530G>A, p.Trp177Ter (NM_001425107.1, NM_001425109.1, NM_001425110.1 and 7 more transcripts); c.566G>A, p.Trp189Ter (NM_001425108.1); c.470G>A, p.Trp157Ter (NM_001425113.1); c.434G>A, p.Trp145Ter (NM_001425114.1, NM_001425116.1); c.356G>A, p.Trp119Ter (NM_001425117.1); short protein forms W119*, W145*, W157*, W177*, W189*.
Identifiers: ClinVar variation 4814831 (VCV004814831.1).

ClinVar aggregate classification (germline): Likely pathogenic (1 of 4 stars; one submission).

Conditions:
Smith-Lemli-Opitz syndrome (SLOS). Also called: LETHAL ACRODYSGENITAL SYNDROME; POLYDACTYLY, SEX REVERSAL, RENAL HYPOPLASIA, AND UNILOBAR LUNG; RSH SYNDROME; RUTLEDGE LETHAL MULTIPLE CONGENITAL ANOMALY SYNDROME; 7-Dehydrocholesterol reductase deficiency. Identifiers: Orphanet 818, MedGen C0175694, MONDO:0010035, OMIM 270400.

gnomAD v4.1: 1 of 1,614,204 alleles (0.000062%); highest among the groups gnomAD compares: Non-Finnish European, 0.000085%; no homozygotes.

Submission:

Natera, Inc.
Classification: Likely pathogenic for Smith-Lemli-Opitz syndrome. Last evaluated: 2025-07-10. Review status: criteria provided, single submitter. Criteria: Natera Variant Classification Schema (03/2026). Collection method: clinical testing. Allele origin: germline.
Comment: The c.530G>A variant in DHCR7 is a nonsense variant predicted to introduce a stop codon at amino acid 177. This variant is expected to result in nonsense mediated decay, truncation, or a dysfunctional protein product. This variant is rare in the general population with a frequency below the threshold expected for the associated phenotype(s). Given the available evidence, this variant is classified as Likely Pathogenic.